The following is an entry in ClinVar:

ClinVar aggregate classification (germline): Pathogenic (1 of 4 stars; one submission).

Conditions:
Hereditary breast ovarian cancer syndrome. Also called: Hereditary breast and ovarian cancer; Hereditary breast and/or ovarian cancer syndrome; Hereditary breast and ovarian cancer syndrome; Hereditary breast and ovarian cancer syndrome (HBOC); BRCA1- and BRCA2-Associated Hereditary Breast and Ovarian Cancer; Breast and ovarian cancer. Identifiers: Orphanet 145, MedGen C0677776, MeSH D061325, MONDO:0003582. Disease mechanism: loss of function.

Submission:

Labcorp Genetics (formerly Invitae), Labcorp
Classification: Pathogenic for Hereditary breast ovarian cancer syndrome. Last evaluated: 2019-06-11. Review status: criteria provided, single submitter. Criteria: Invitae Variant Classification Sherloc (09022015). Collection method: clinical testing. Allele origin: germline.
Comment: This variant has not been reported in the literature in individuals with BRCA2-related conditions. For these reasons, this variant has been classified as Pathogenic. Loss-of-function variants in BRCA2 are known to be pathogenic (PMID: 20104584). This variant is not present in population databases (ExAC no frequency). This sequence change creates a premature translational stop signal (p.Lys945*) in the BRCA2 gene. It is expected to result in an absent or disrupted protein product.

Literature cited by the submitters: PubMed 20104584.

NM_000059.4(BRCA2):c.2833A>T (p.Lys945Ter)

Gene: BRCA2 (BRCA2 DNA repair associated; plus strand). Cytogenetic location: 13q13.1.
Variant type: single nucleotide variant.
Coding change: c.2833A>T on transcript NM_000059.4 (MANE Select); coding-DNA position 2833, A replaced by T.
Protein change: p.Lys945Ter; replaces lysine 945 with a stop codon.
Molecular consequence: nonsense.
Genome position (GRCh38, 1-based): chr13:32,337,188, A>T. VCF-style: chr13-32337188-A-T. GRCh37 (hg19) VCF-style: chr13-32911325-A-T.
Other names: short protein forms K945*.
Identifiers: ClinVar variation 951070 (VCV000951070.8), dbSNP rs2072466023, ClinGen allele CA387773851.
Genomic context (GRCh38, chr13:32,337,188, plus strand): 5'-TCTACCATGGTTTTATATGGAGACACAGGTGATAAACAAGCAACCCAAGTGTCAATTAAA[A>T]AAGATTTGGTTTATGTTCTTGCAGAGGAGAACAAAAATAGTGTAAAGCAGCATATAAAAA-3'